The following is an entry in ClinVar:

ClinVar aggregate classification (germline): Uncertain significance (1 of 4 stars; one submission).

Conditions:
Hereditary cancer-predisposing syndrome. Also called: Hereditary Cancer Syndrome; Hereditary neoplastic syndrome; Neoplastic Syndromes, Hereditary; Tumor predisposition. Identifiers: Orphanet 140162, MedGen C0027672, MeSH D009386, MONDO:0015356.

Submission:

Ambry Genetics
Classification: Uncertain significance for Hereditary cancer-predisposing syndrome. Last evaluated: 2024-05-16. Review status: criteria provided, single submitter. Criteria: Ambry Variant Classification Scheme 2023. Collection method: clinical testing. Allele origin: germline.
Comment: The p.L463P variant (also known as c.1388T>C), located in coding exon 13 of the BAP1 gene, results from a T to C substitution at nucleotide position 1388. The leucine at codon 463 is replaced by proline, an amino acid with similar properties. This amino acid position is highly conserved in available vertebrate species. In addition, this alteration is predicted to be deleterious by in silico analysis. Based on the available evidence, the clinical significance of this variant remains unclear.

NM_004656.4(BAP1):c.1388T>C (p.Leu463Pro)

Gene: BAP1 (BRCA1 associated deubiquitinase 1; minus strand). Cytogenetic location: 3p21.1.
Variant type: single nucleotide variant.
Coding change: c.1388T>C on transcript NM_004656.4 (MANE Select); coding-DNA position 1388, T replaced by C.
Protein change: p.Leu463Pro; replaces leucine 463 with proline.
Molecular consequence: missense variant.
Genome position (GRCh38, 1-based): chr3:52,403,757, A>G on the plus strand (T>C on the coding strand, the complement: BAP1 is on the minus strand). VCF-style: chr3-52403757-A-G. GRCh37 (hg19) VCF-style: chr3-52437773-A-G.
Other names: c.1334T>C, p.Leu445Pro (NM_001410772.1); short protein forms L445P, L463P.
Identifiers: ClinVar variation 1771464 (VCV001771464.3), dbSNP rs2471329488, ClinGen allele CA353101656.
Genomic context (GRCh38, chr3:52,403,757, plus strand): 5'-TGCGAGTGTGTGGGCACTGCCACAGCCGGACTCCCAGCCCCGCTGCTAGTCTTGATGGAC[A>G]GAGGAATTGAGAGGTCCTTCTGGGACTCTTTGAGCTTCTCAGCCAAGACGTTGATGGTGT-3'
Protein context (NP_004647.1, residues 453-473): KESQKDLSIP[Leu463Pro]SIKTSSGAGS